The following is an entry in ClinVar:

ClinVar aggregate classification (germline): Uncertain significance (1 of 4 stars; one submission).

Submission:

GeneDx
Classification: Uncertain significance. Last evaluated: 2022-01-20. Review status: criteria provided, single submitter. Criteria: GeneDx Variant Classification Process June 2021. Collection method: clinical testing. Allele origin: germline. Affected: yes.
Comment: Has not been previously published as pathogenic or benign to our knowledge; Not observed at significant frequency in large population cohorts (gnomAD); Missense variants in this gene are often considered pathogenic (HGMD); This substitution is predicted to be within the transmembrane segment S6 of the third homologous domain; In silico analysis supports that this missense variant has a deleterious effect on protein structure/function

NM_001330260.2(SCN8A):c.4371C>A (p.Asn1457Lys)

Gene: SCN8A (sodium voltage-gated channel alpha subunit 8; plus strand). Cytogenetic location: 12q13.13.
Variant type: single nucleotide variant.
Coding change: c.4371C>A on transcript NM_001330260.2 (MANE Select); coding-DNA position 4371, C replaced by A.
Protein change: p.Asn1457Lys; replaces asparagine 1457 with lysine.
Molecular consequence: missense variant.
Genome position (GRCh38, 1-based): chr12:51,789,370, C>A. VCF-style: chr12-51789370-C-A. GRCh37 (hg19) VCF-style: chr12-52183154-C-A.
Other names: c.4248C>A, p.Asn1416Lys (NM_001177984.3, NM_001369788.1); c.4371C>A, p.Asn1457Lys (NM_014191.4); short protein forms N1416K, N1457K.
Identifiers: ClinVar variation 1699734 (VCV001699734.2), dbSNP rs2138909619, ClinGen allele CA384908496.